The following is an entry in ClinVar:

NM_016222.4(DDX41):c.364G>T (p.Glu122Ter)

Gene: DDX41 (DEAD-box helicase 41; minus strand). Cytogenetic location: 5q35.3.
Variant type: single nucleotide variant.
Coding change: c.364G>T on transcript NM_016222.4 (MANE Select); coding-DNA position 364, G replaced by T.
Protein change: p.Glu122Ter; replaces glutamic acid 122 with a stop codon.
Molecular consequence: nonsense. On other transcripts: 5 prime UTR variant (2).
Genome position (GRCh38, 1-based): chr5:177,516,128, C>A on the plus strand (G>T on the coding strand, the complement: DDX41 is on the minus strand). VCF-style: chr5-177516128-C-A. GRCh37 (hg19) VCF-style: chr5-176943129-C-A.
Other names: c.-15G>T (NM_001321732.2, NM_001321830.2); c.364G>T (NM_016222.2); c.364G>T, p.Glu122Ter (LRG_1386t1); short protein forms E122*.
Identifiers: ClinVar variation 664269 (VCV000664269.12), dbSNP rs200567842, ClinGen allele CA132895108.
Genomic context (GRCh38, chr5:177,516,128, plus strand): 5'-TGGGAGGAGAAGACTCAGTCCACCTTCTCACTATCCTGGCTACAACCATACCTCGGCCCT[C>A]GGCAACACTCTCCAGGATCTTCTCTTCTTCCTTCAGCTGCTTCTCCTTGGCAGACTCTTT-3'

ClinVar aggregate classification (germline): Conflicting classifications of pathogenicity. Review status: criteria provided, conflicting classifications (1 of 4 stars). 7 submissions from 7 submitters: Pathogenic (4); Likely pathogenic (2); Uncertain significance (1). Last evaluated 2025-05-13.

Conditions:
Inborn genetic diseases. Identifiers: MedGen C0950123, MeSH D030342.
DDX41-related hematologic malignancy predisposition syndrome. Also called: DDX41-Associated Familial Myelodysplastic Syndrome and Acute Myeloid Leukemia; Myeloproliferative/lymphoproliferative neoplasms, familial (multiple types), susceptibility to. Identifiers: Orphanet 488647, MedGen C4225174, MONDO:0014809, OMIM 616871.

Allele frequency attached by ClinVar (database versions not stated): TOPMed below 0.00001; gnomAD 0.00001.

Submissions (7):

Saint-Louis Hospital, Assistance Publique Hôpitaux de Paris
Classification: Pathogenic for DDX41-related hematologic malignancy predisposition syndrome. Last evaluated: 2025-05-13. Review status: criteria provided, single submitter. Criteria: ACMG Guidelines, 2015. Collection method: clinical testing. Allele origin: germline. Affected: yes.
Comment: The variant DDX41(NM_016222.4):c.364G>T:p.(Glu122Ter) is a nonsense variant in DDX41, which is predicted to result in a premature stop codon at position 122, and likely results in an absent or disrupted protein product. Loss-of-function variants in DDX41 are known to be pathogenic (PMID: 26712909, 27133828).It has been reported in individuals with suspected or confirmed predisposition to myeloid malignancies (Cardoso et al, 2016, PMID: 27133828; Lewinsohn et al, 2016, PMID: 26712909)

Ambry Genetics
Classification: Pathogenic for Inborn genetic diseases. Last evaluated: 2025-05-03. Review status: criteria provided, single submitter. Criteria: Ambry Variant Classification Scheme 2023. Collection method: clinical testing. Allele origin: germline.
Comment: The p.E122* pathogenic mutation (also known as c.364G>T), located in coding exon 4 of the DDX41 gene, results from a G to T substitution at nucleotide position 364. This changes the amino acid from a glutamic acid to a stop codon within coding exon 4. This variant is considered to be rare based on population cohorts in the Genome Aggregation Database (gnomAD). This alteration is expected to result in loss of function by premature protein truncation or nonsense-mediated mRNA decay. As such, this alteration is interpreted as a disease-causing mutation.

Labcorp Genetics (formerly Invitae), Labcorp
Classification: Pathogenic. Last evaluated: 2024-10-17. Review status: criteria provided, single submitter. Criteria: Invitae Variant Classification Sherloc (09022015). Collection method: clinical testing. Allele origin: germline.
Comment: This sequence change creates a premature translational stop signal (p.Glu122*) in the DDX41 gene. It is expected to result in an absent or disrupted protein product. Loss-of-function variants in DDX41 are known to be pathogenic (PMID: 26712909, 27133828). This variant is not present in population databases (gnomAD no frequency). This variant has not been reported in the literature in individuals affected with DDX41-related conditions. ClinVar contains an entry for this variant (Variation ID: 664269). For these reasons, this variant has been classified as Pathogenic.

Baylor Genetics
Classification: Likely pathogenic for DDX41-related hematologic malignancy predisposition syndrome. Last evaluated: 2023-09-08. Review status: criteria provided, single submitter. Criteria: ACMG Guidelines, 2015. Collection method: clinical testing. Allele origin: unknown.

Laboratorio de Genetica e Diagnostico Molecular, Hospital Israelita Albert Einstein
Classification: Likely pathogenic for DDX41-related hematologic malignancy predisposition syndrome. Last evaluated: 2023-03-21. Review status: criteria provided, single submitter. Criteria: ACMG Guidelines, 2015. Collection method: clinical testing. Allele origin: germline. Affected: yes.
Comment: ACMG classification criteria: PVS1 very strong, PM2 moderate

Mendelics
Classification: Uncertain significance. Last evaluated: 2022-05-04. Review status: criteria provided, single submitter. Criteria: Mendelics Assertion Criteria 2019. Collection method: clinical testing. Allele origin: germline.

Juno Genomics, Hangzhou Juno Genomics, Inc
Classification: Pathogenic for DDX41-related hematologic malignancy predisposition syndrome. Review status: criteria provided, single submitter. Criteria: ACMG Guidelines, 2015. Collection method: clinical testing. Allele origin: germline.
Comment: Absent from controls (or at extremely low frequency if recessive) in Genome Aggregation Database.;Null variant in a gene where loss of function (LOF) is a known mechanism of disease.;The prevalence of the variant in affected individuals is significantly increased compared to the prevalence in controls.

Literature cited by the submitters: PubMed 26712909 (cited by Saint-Louis Hospital, Assistance Publique Hôpitaux de Paris and Labcorp Genetics (formerly Invitae), Labcorp); PubMed 27133828 (cited by Saint-Louis Hospital, Assistance Publique Hôpitaux de Paris and Labcorp Genetics (formerly Invitae), Labcorp).